The following is an entry in ClinVar:

ClinVar aggregate classification (germline): Pathogenic/Likely pathogenic. Review status: criteria provided, multiple submitters, no conflicts (2 of 4 stars). 4 submissions from 4 submitters: Pathogenic (1); Likely pathogenic (1). 2 of the submissions do not count toward it. Last evaluated 2024-12-19.

Conditions:
Trichohepatoenteric syndrome 2 (THES2). Identifiers: Orphanet 84064, MedGen C3281289, MONDO:0013818, OMIM 614602.

Submissions (4):

Genomic Medicine Center of Excellence, King Faisal Specialist Hospital and Research Centre
Classification: Likely pathogenic for Trichohepatoenteric syndrome 2. Last evaluated: 2024-12-19. Review status: criteria provided, single submitter. Criteria: ACMG Guidelines, 2015. Collection method: clinical testing. Allele origin: germline.

GeneDx
Classification: Pathogenic. Last evaluated: 2019-07-18. Review status: criteria provided, single submitter. Criteria: GeneDx Variant Classification Process June 2021. Collection method: clinical testing. Allele origin: germline. Affected: yes.
Comment: Also reported as c.3559_3579del due to alternate nomenclature; In-frame deletion of 7 amino acids in a non-repeat region; In silico analysis, which includes protein predictors and evolutionary conservation, supports a deleterious effect; Not observed in large population cohorts (Lek et al., 2016); This variant is associated with the following publications: (PMID: 25064072, 29868001, 25714577, 29527791)

OMIM
Classification: Pathogenic for TRICHOHEPATOENTERIC SYNDROME 2. Last evaluated: 2022-10-10. Review status: no assertion criteria provided. Collection method: literature only. Allele origin: germline. Not counted in ClinVar's aggregate classification.

Biochemical Molecular Genetic Laboratory, King Abdulaziz Medical City
Classification: Pathogenic for Trichohepatoenteric syndrome 2. Last evaluated: 2019-09-26. Review status: no assertion criteria provided. Collection method: clinical testing. Allele origin: germline. Affected: yes. Not counted in ClinVar's aggregate classification.

Literature cited by the submitters: PubMed 25714577 (cited by OMIM).

NM_006929.5(SKIC2):c.3561_3581del (p.Ser1189_Leu1195del)

Gene: SKIC2 (SKI2 subunit of superkiller complex; plus strand). Cytogenetic location: 6p21.33.
Variant type: Deletion.
Coding change: c.3561_3581del on transcript NM_006929.5 (MANE Select); coding-DNA positions 3561 to 3581, 21 bases deleted (GCTCTCAGGGACCCCTGAGGG).
Protein change: p.Ser1189_Leu1195del.
Molecular consequence: inframe deletion.
Genome position (GRCh38, 1-based): chr6:31,969,535-31,969,555, GCTCTCAGGGACCCCTGAGGG deleted; deleting any 21 consecutive bases within chr6:31,969,533-31,969,555 gives the same sequence; the c. name uses the placement nearest the transcript's 3' end. VCF-style (leftmost placement, unchanged base first): chr6-31969532-AGGGCTCTCAGGGACCCCTGAG-A. GRCh37 (hg19) VCF-style: chr6-31937309-AGGGCTCTCAGGGACCCCTGAG-A.
Identifiers: ClinVar variation 800925 (VCV000800925.5), dbSNP rs1582192007, ClinGen allele CA915944179.